The following is an entry in ClinVar:

NM_015001.3(SPEN):c.7634C>G (p.Ser2545Cys)

Gene: SPEN (spen family transcriptional repressor; plus strand). Cytogenetic location: 1p36.13.
Variant type: single nucleotide variant.
Coding change: c.7634C>G on transcript NM_015001.3 (MANE Select); coding-DNA position 7634, C replaced by G.
Protein change: p.Ser2545Cys; replaces serine 2545 with cysteine.
Molecular consequence: missense variant.
Genome position (GRCh38, 1-based): chr1:15,933,874, C>G. VCF-style: chr1-15933874-C-G. GRCh37 (hg19) VCF-style: chr1-16260369-C-G.
Other names: short protein forms S2545C.
Identifiers: ClinVar variation 5017903 (VCV005017903.1).

ClinVar aggregate classification (germline): Uncertain significance (1 of 4 stars; one submission).

Submission:

GeneDx
Classification: Uncertain significance. Last evaluated: 2026-03-29. Review status: criteria provided, single submitter. Criteria: GeneDx Variant Classification Process June 2021. Collection method: clinical testing. Allele origin: germline.
Comment: Not observed at significant frequency in large population cohorts (gnomAD); In silico analysis supports that this missense variant has a deleterious effect on protein structure/function; Has not been previously published as pathogenic or benign to our knowledge